The following is an entry in ClinVar:

ClinVar aggregate classification (germline): Uncertain significance (1 of 4 stars; one submission).

Conditions:
ARL6-related disorder. Also called: ARL6-related condition.

Submission:

PreventionGenetics, part of Exact Sciences
Classification: Uncertain significance for ARL6-related condition. Last evaluated: 2026-06-24. Review status: criteria provided, single submitter. Criteria: ACMG Guidelines, 2015. Collection method: clinical testing. Allele origin: germline.
Comment: The ARL6 c.536-6T>A variant is predicted to interfere with splicing. To our knowledge, this variant has not been reported in the literature or in a large population database (gnomAD), indicating this variant is rare. At this time, the clinical significance of this variant is uncertain due to the absence of conclusive functional and genetic evidence.

NM_001278293.3(ARL6):c.535+121T>A

Gene: ARL6 (ARF like GTPase 6; plus strand). Cytogenetic location: 3q11.2.
Variant type: single nucleotide variant.
Coding change: c.535+121T>A on transcript NM_001278293.3 (MANE Select); 121 bases into the intron after coding-DNA position 535, T replaced by A.
Molecular consequence: intron variant.
Genome position (GRCh38, 1-based): chr3:97,791,947, T>A. VCF-style: chr3-97791947-T-A. GRCh37 (hg19) VCF-style: chr3-97510791-T-A.
Other names: c.535+121T>A (NM_032146.5, NM_177976.3); c.536-6T>A (NM_001323513.2); c.479+3828T>A (NM_001323514.2).
Identifiers: ClinVar variation 4994058 (VCV004994058.1).